The following is an entry in ClinVar:

ClinVar aggregate classification (germline): Conflicting classifications of pathogenicity. Review status: criteria provided, conflicting classifications (1 of 4 stars). 2 submissions from 2 submitters: Uncertain significance (1); Likely benign (1). Last evaluated 2022-07-13.

Conditions:
Brugada syndrome. Also called: Sudden unexpected nocturnal death syndrome; Sudden Unexplained Death Syndrome; Sudden Unexplained Nocturnal Death Syndrome (SUNDS); Sudden unexplained nocturnal death syndrome. Identifiers: Orphanet 130, MedGen C1142166, MONDO:0015263.
Cardiovascular phenotype. Identifiers: MedGen CN230736.

Allele frequency attached by ClinVar (database versions not stated): gnomAD 0.00003 and 0.00005; TOPMed 0.00004; gnomAD exomes 0.00006 and 0.00009; ExAC 0.00012; 1000 Genomes Project 30x 0.00016; 1000 Genomes Project 0.00020.
gnomAD v4.1: 87 of 1,609,108 alleles (0.0054%); highest among the groups gnomAD compares: South Asian, 0.048%; no homozygotes.

Submissions (2):

Labcorp Genetics (formerly Invitae), Labcorp
Classification: Uncertain significance for Brugada syndrome. Last evaluated: 2022-07-13. Review status: criteria provided, single submitter. Criteria: Invitae Variant Classification Sherloc (09022015). Collection method: clinical testing. Allele origin: germline.
Comment: This sequence change replaces valine, which is neutral and non-polar, with methionine, which is neutral and non-polar, at codon 1392 of the SCN10A protein (p.Val1392Met). This variant is present in population databases (rs539215014, gnomAD 0.04%). This variant has not been reported in the literature in individuals affected with SCN10A-related conditions. ClinVar contains an entry for this variant (Variation ID: 407742). Advanced modeling of protein sequence and biophysical properties (such as structural, functional, and spatial information, amino acid conservation, physicochemical variation, residue mobility, and thermodynamic stability) performed at Invitae indicates that this missense variant is not expected to disrupt SCN10A protein function. In summary, the available evidence is currently insufficient to determine the role of this variant in disease. Therefore, it has been classified as a Variant of Uncertain Significance.

Ambry Genetics
Classification: Likely benign for Cardiovascular phenotype. Last evaluated: 2021-11-15. Review status: criteria provided, single submitter. Criteria: Ambry Variant Classification Scheme 2023. Collection method: clinical testing. Allele origin: germline.

NM_006514.4(SCN10A):c.4174G>A (p.Val1392Met)

Gene: SCN10A (sodium voltage-gated channel alpha subunit 10; minus strand). Cytogenetic location: 3p22.2.
Variant type: single nucleotide variant.
Coding change: c.4174G>A on transcript NM_006514.4 (MANE Select); coding-DNA position 4174, G replaced by A.
Protein change: p.Val1392Met; replaces valine 1392 with methionine.
Molecular consequence: missense variant.
Genome position (GRCh38, 1-based): chr3:38,709,585, C>T on the plus strand (G>A on the coding strand, the complement: SCN10A is on the minus strand). VCF-style: chr3-38709585-C-T. GRCh37 (hg19) VCF-style: chr3-38751076-C-T.
Other names: c.4171G>A, p.Val1391Met (NM_001293306.2); c.3880G>A, p.Val1294Met (NM_001293307.2); short protein forms V1392M, V1294M, V1391M.
Identifiers: ClinVar variation 407742 (VCV000407742.16), dbSNP rs539215014, ClinGen allele CA2319986.